The following is an entry in ClinVar:

ClinVar aggregate classification (germline): Uncertain significance. Review status: criteria provided, multiple submitters, no conflicts (2 of 4 stars). 2 submissions from 2 submitters: Uncertain significance (2). Last evaluated 2024-11-27.

Conditions:
NARS2-related disorder. Also called: NARS2-related condition.

Allele frequency attached by ClinVar (database versions not stated): gnomAD exomes below 0.00001; ExAC 0.00002; gnomAD 0.00002; TOPMed 0.00002.
gnomAD v4.1: 5 of 1,614,026 alleles (0.00031%); highest among the groups gnomAD compares: African/African-American, 0.004%; no homozygotes.

Submissions (2):

PreventionGenetics, part of Exact Sciences
Classification: Uncertain significance for NARS2-related condition. Last evaluated: 2024-11-27. Review status: criteria provided, single submitter. Criteria: ACMG Guidelines, 2015. Collection method: clinical testing. Allele origin: germline.
Comment: The NARS2 c.1100T>C variant is predicted to result in the amino acid substitution p.Ile367Thr. To our knowledge, this variant has not been reported in the literature. This variant is reported in 0.0040% of alleles in individuals of African descent in gnomAD. At this time, the clinical significance of this variant is uncertain due to the absence of conclusive functional and genetic evidence.

Labcorp Genetics (formerly Invitae), Labcorp
Classification: Uncertain significance. Last evaluated: 2023-10-22. Review status: criteria provided, single submitter. Criteria: Invitae Variant Classification Sherloc (09022015). Collection method: clinical testing. Allele origin: germline.
Comment: This sequence change replaces isoleucine, which is neutral and non-polar, with threonine, which is neutral and polar, at codon 367 of the NARS2 protein (p.Ile367Thr). This variant is present in population databases (rs755592114, gnomAD 0.007%). This variant has not been reported in the literature in individuals affected with NARS2-related conditions. Advanced modeling of protein sequence and biophysical properties (such as structural, functional, and spatial information, amino acid conservation, physicochemical variation, residue mobility, and thermodynamic stability) performed at Invitae indicates that this missense variant is not expected to disrupt NARS2 protein function. In summary, the available evidence is currently insufficient to determine the role of this variant in disease. Therefore, it has been classified as a Variant of Uncertain Significance.

NM_024678.6(NARS2):c.1100T>C (p.Ile367Thr)

Gene: NARS2 (asparaginyl-tRNA synthetase 2, mitochondrial; minus strand). Cytogenetic location: 11q14.1.
Variant type: single nucleotide variant.
Coding change: c.1100T>C on transcript NM_024678.6 (MANE Select); coding-DNA position 1100, T replaced by C.
Protein change: p.Ile367Thr; replaces isoleucine 367 with threonine.
Molecular consequence: missense variant.
Genome position (GRCh38, 1-based): chr11:78,465,940, A>G on the plus strand (T>C on the coding strand, the complement: NARS2 is on the minus strand). VCF-style: chr11-78465940-A-G. GRCh37 (hg19) VCF-style: chr11-78176986-A-G.
Other names: c.419T>C, p.Ile140Thr (NM_001243251.2, NM_001425312.1, NM_001425313.1 and 1 more transcripts); c.1223T>C, p.Ile408Thr (NM_001425299.1); c.1100T>C, p.Ile367Thr (NM_001425300.1, NM_001425305.1); c.1028T>C, p.Ile343Thr (NM_001425301.1); c.1019T>C, p.Ile340Thr (NM_001425302.1, NM_001425303.1); c.872T>C, p.Ile291Thr (NM_001425307.1); c.869T>C, p.Ile290Thr (NM_001425308.1); c.830T>C, p.Ile277Thr (NM_001425309.1); and 3 more; short protein forms I181T, I291T, I277T, I340T, I343T, I408T, I140T, I150T.
Identifiers: ClinVar variation 2896885 (VCV002896885.4), dbSNP rs755592114, ClinGen allele CA6205584.